The following is an entry in ClinVar:

NM_001378452.1(ITPR1):c.5737A>C (p.Thr1913Pro)

Gene: ITPR1 (inositol 1,4,5-trisphosphate receptor type 1; plus strand). Cytogenetic location: 3p26.1.
Variant type: single nucleotide variant.
Coding change: c.5737A>C on transcript NM_001378452.1 (MANE Select); coding-DNA position 5737, A replaced by C.
Protein change: p.Thr1913Pro; replaces threonine 1913 with proline.
Molecular consequence: missense variant.
Genome position (GRCh38, 1-based): chr3:4,768,522, A>C. VCF-style: chr3-4768522-A-C. GRCh37 (hg19) VCF-style: chr3-4810206-A-C.
Other names: c.5593A>C, p.Thr1865Pro (NM_001099952.4); c.5692A>C, p.Thr1898Pro (NM_001168272.2); c.5548A>C, p.Thr1850Pro (NM_002222.7); short protein forms T1850P, T1865P, T1898P, T1913P.
Identifiers: ClinVar variation 1254911 (VCV001254911.15), dbSNP rs71313897, ClinGen allele CA2232413.
Genomic context (GRCh38, chr3:4,768,522, plus strand): 5'-GGGCCCATGAGGACTCTGCAGCCTTTCATGCCTTATGCTTGCTTTCTAGCTAAAGAGCCC[A>C]CAACACAGATAACAGAAGAGGTCCGGGATCAGCTCCTGGAGGCCTCCGCTGCCACCAGGA-3'
Protein context (NP_001365381.1, residues 1903-1923): APSRKKAKEP[Thr1913Pro]TQITEEVRDQ

ClinVar aggregate classification (germline): Uncertain significance. Review status: criteria provided, multiple submitters, no conflicts (2 of 4 stars). 3 submissions from 3 submitters: Uncertain significance (3). Last evaluated 2025-10-09.

Allele frequency attached by ClinVar (database versions not stated): ExAC 0.00001; TOPMed 0.00001; gnomAD 0.00002 and 0.00003; gnomAD exomes 0.00003.
gnomAD v4.1: 45 of 1,609,628 alleles (0.0028%); highest among the groups gnomAD compares: Non-Finnish European, 0.0026%; no homozygotes.

Submissions (3):

Labcorp Genetics (formerly Invitae), Labcorp
Classification: Uncertain significance. Last evaluated: 2025-10-09. Review status: criteria provided, single submitter. Criteria: Invitae Variant Classification Sherloc (09022015). Collection method: clinical testing. Allele origin: germline.
Comment: This sequence change replaces threonine, which is neutral and polar, with proline, which is neutral and non-polar, at codon 1850 of the ITPR1 protein (p.Thr1850Pro). This variant is present in population databases (rs71313897, gnomAD 0.03%). This variant has not been reported in the literature in individuals affected with ITPR1-related conditions. ClinVar contains an entry for this variant (Variation ID: 1254911). Invitae Evidence Modeling of protein sequence and biophysical properties (such as structural, functional, and spatial information, amino acid conservation, physicochemical variation, residue mobility, and thermodynamic stability) indicates that this missense variant is not expected to disrupt ITPR1 protein function with a negative predictive value of 95%. In summary, the available evidence is currently insufficient to determine the role of this variant in disease. Therefore, it has been classified as a Variant of Uncertain Significance.

CeGaT Center for Human Genetics Tuebingen
Classification: Uncertain significance. Last evaluated: 2025-04-01. Review status: criteria provided, single submitter. Criteria: CeGaT Center For Human Genetics Tuebingen Variant Classification Criteria Version 2. Collection method: clinical testing. Allele origin: germline. Affected: yes. Observed: 1 variant allele.

GeneDx
Classification: Uncertain significance. Last evaluated: 2021-02-05. Review status: criteria provided, single submitter. Criteria: GeneDx Variant Classification Process June 2021. Collection method: clinical testing. Allele origin: germline. Affected: yes.
Comment: Has not been previously published as pathogenic or benign to our knowledge; In silico analysis supports that this missense variant does not alter protein structure/function